The following is an entry in ClinVar:

ClinVar aggregate classification (germline): Likely pathogenic (1 of 4 stars; one submission).

Conditions:
Primary hyperoxaluria, type I (HP1). Also called: OXALOSIS I; Primary hyperoxaluria type 1; GLYCOLIC ACIDURIA; HEPATIC AGT DEFICIENCY. Identifiers: Orphanet 416, Orphanet 93598, MedGen C0268164, MONDO:0009823, OMIM 259900. Disease mechanism: loss of function.

Submission:

Myriad Genetics, Inc.
Classification: Likely pathogenic for Primary hyperoxaluria, type I. Last evaluated: 2022-01-02. Review status: criteria provided, single submitter. Criteria: Myriad Women's Health Autosomal Recessive and X-Linked Classification Criteria (2021). Collection method: clinical testing. Allele origin: unknown.
Comment: NM_000030.2(AGXT):c.934A>T(K312*) is expected to be pathogenic in the context of primary hyperoxaluria type 1. This variant is predicted to lead to an abnormal or absent protein product due to the creation of a premature termination codon in AGXT, a gene where loss-of-function variants are known to be pathogenic. Please note: this variant was assessed in the context of healthy population screening.

NM_000030.3(AGXT):c.934A>T (p.Lys312Ter)

Gene: AGXT (alanine--glyoxylate aminotransferase; plus strand). Cytogenetic location: 2q37.3.
Variant type: single nucleotide variant.
Coding change: c.934A>T on transcript NM_000030.3 (MANE Select); coding-DNA position 934, A replaced by T.
Protein change: p.Lys312Ter; replaces lysine 312 with a stop codon.
Molecular consequence: nonsense.
Genome position (GRCh38, 1-based): chr2:240,877,624, A>T. VCF-style: chr2-240877624-A-T. GRCh37 (hg19) VCF-style: chr2-241817041-A-T.
Other names: short protein forms K312*.
Identifiers: ClinVar variation 1726776 (VCV001726776.2), dbSNP rs2528762537, ClinGen allele CA351319370.
Genomic context (GRCh38, chr2:240,877,624, plus strand): 5'-CGCGAGGCCGCGGCGTATCTGCATGGGCGCCTGCAGGCACTGGGGCTGCAGCTCTTCGTG[A>T]AGGACCCGGTAAGGAGGCCCCTGGCATTGGGCAGCCCTGCACCCATGGGGAAGGATGAGG-3'